The following is an entry in ClinVar:

ClinVar aggregate classification (germline): Uncertain significance (1 of 4 stars; one submission).

Conditions:
Inborn genetic diseases. Identifiers: MedGen C0950123, MeSH D030342.

Submission:

Ambry Genetics
Classification: Uncertain significance for Inborn genetic diseases. Last evaluated: 2026-07-02. Review status: criteria provided, single submitter. Criteria: Ambry Variant Classification Scheme 2023. Collection method: clinical testing. Allele origin: germline.
Comment: The p.D1747E variant (also known as c.5241C>A), located in coding exon 20 of the FANCM gene, results from a C to A substitution at nucleotide position 5241. The aspartic acid at codon 1747 is replaced by glutamic acid, an amino acid with highly similar properties. This amino acid position is conserved. In addition, this alteration is predicted to be tolerated by in silico analysis. Based on the available evidence, the clinical significance of this variant remains unclear.

NM_020937.4(FANCM):c.5241C>A (p.Asp1747Glu)

Gene: FANCM (FA complementation group M; plus strand). Cytogenetic location: 14q21.2.
Variant type: single nucleotide variant.
Coding change: c.5241C>A on transcript NM_020937.4 (MANE Select); coding-DNA position 5241, C replaced by A.
Protein change: p.Asp1747Glu; replaces aspartic acid 1747 with glutamic acid.
Molecular consequence: missense variant.
Genome position (GRCh38, 1-based): chr14:45,189,263, C>A. VCF-style: chr14-45189263-C-A. GRCh37 (hg19) VCF-style: chr14-45658466-C-A.
Other names: c.5163C>A, p.Asp1721Glu (NM_001308133.2); short protein forms D1747E, D1721E.
Identifiers: ClinVar variation 5036596 (VCV005036596.1).